The following is an entry in ClinVar:

NM_001042492.3(NF1):c.643A>T (p.Ser215Cys)

Gene: NF1 (neurofibromin 1; plus strand). Cytogenetic location: 17q11.2.
Variant type: single nucleotide variant.
Coding change: c.643A>T on transcript NM_001042492.3 (MANE Select); coding-DNA position 643, A replaced by T.
Protein change: p.Ser215Cys; replaces serine 215 with cysteine.
Molecular consequence: missense variant.
Genome position (GRCh38, 1-based): chr17:31,181,478, A>T. VCF-style: chr17-31181478-A-T. GRCh37 (hg19) VCF-style: chr17-29508496-A-T.
Other names: c.643A>T, p.Ser215Cys (NM_000267.4, NM_001128147.3); short protein forms S215C.
Identifiers: ClinVar variation 1060989 (VCV001060989.5), dbSNP rs1331838002, ClinGen allele CA398989454.
Genomic context (GRCh38, chr17:31,181,478, plus strand): 5'-CCAGAAACAGCATTTAAATTTAAAGCCCTAAAGAAGGTTGCGCAGTTAGCAGTTATAAAT[A>T]GCCTGGAAAAGGTAAGTTACAACCTCTCTGGTATTAAAATTTTGTTTTTGATGTAAAATT-3'
Protein context (NP_001035957.1, residues 205-225): KKVAQLAVIN[Ser215Cys]LEKAFWNWVE

ClinVar aggregate classification (germline): Uncertain significance (1 of 4 stars; one submission).

Conditions:
Neurofibromatosis, type 1 (NF1). Also called: NEUROFIBROMATOSIS, TYPE I, SOMATIC; Neurofibromatosis, type I; VON RECKLINGHAUSEN DISEASE; Peripheral type neurofibromatosis. Identifiers: Orphanet 636, MedGen C0027831, MONDO:0018975, OMIM 162200. Disease mechanism: loss of function.

gnomAD v4.1: 2 of 1,613,562 alleles (0.00012%); highest among the groups gnomAD compares: Admixed American, 0.0033%; no homozygotes.

Submission:

Labcorp Genetics (formerly Invitae), Labcorp
Classification: Uncertain significance for Neurofibromatosis, type 1. Last evaluated: 2025-10-03. Review status: criteria provided, single submitter. Criteria: Invitae Variant Classification Sherloc (09022015). Collection method: clinical testing. Allele origin: germline.
Comment: This sequence change replaces serine, which is neutral and polar, with cysteine, which is neutral and slightly polar, at codon 215 of the NF1 protein (p.Ser215Cys). This variant is not present in population databases (gnomAD no frequency). This variant has not been reported in the literature in individuals affected with NF1-related conditions. ClinVar contains an entry for this variant (Variation ID: 1060989). Invitae Evidence Modeling of protein sequence and biophysical properties (such as structural, functional, and spatial information, amino acid conservation, physicochemical variation, residue mobility, and thermodynamic stability) indicates that this missense variant is expected to disrupt NF1 protein function with a positive predictive value of 95%. In summary, the available evidence is currently insufficient to determine the role of this variant in disease. Therefore, it has been classified as a Variant of Uncertain Significance.